The following is an entry in ClinVar:

ClinVar aggregate classification (germline): Uncertain significance (1 of 4 stars; one submission).

Conditions:
Familial thoracic aortic aneurysm and aortic dissection (TAAD). Also called: Thoracic aortic aneurysms and dissections. Identifiers: Orphanet 91387, MedGen C4707243, MONDO:0019625.

Submission:

Ambry Genetics
Classification: Uncertain significance for Familial thoracic aortic aneurysm and aortic dissection. Last evaluated: 2024-08-07. Review status: criteria provided, single submitter. Criteria: Ambry Variant Classification Scheme 2023. Collection method: clinical testing. Allele origin: germline.
Comment: The p.G1879S variant (also known as c.5635G>A), located in coding exon 45 of the FBN1 gene, results from a G to A substitution at nucleotide position 5635. The glycine at codon 1879 is replaced by serine, an amino acid with similar properties. This amino acid position is highly conserved in available vertebrate species. In addition, this alteration is predicted to be deleterious by in silico analysis. Based on the available evidence, the clinical significance of this variant remains unclear.

NM_000138.5(FBN1):c.5635G>A (p.Gly1879Ser)

Gene: FBN1 (fibrillin 1; minus strand). Cytogenetic location: 15q21.1.
Variant type: single nucleotide variant.
Coding change: c.5635G>A on transcript NM_000138.5 (MANE Select); coding-DNA position 5635, G replaced by A.
Protein change: p.Gly1879Ser; replaces glycine 1879 with serine.
Molecular consequence: missense variant.
Genome position (GRCh38, 1-based): chr15:48,448,804, C>T on the plus strand (G>A on the coding strand, the complement: FBN1 is on the minus strand). VCF-style: chr15-48448804-C-T. GRCh37 (hg19) VCF-style: chr15-48741001-C-T.
Other names: c.5635G>A, p.Gly1879Ser (NM_001406716.1); short protein forms G1879S.
Identifiers: ClinVar variation 3513532 (VCV003513532.1).
Genomic context (GRCh38, chr15:48,448,804, plus strand): 5'-AAATAATAATAATTGCATACTTACCCAAGCACATGGTTTGGTCATCATTTGTTTTAAAAC[C>T]AGTGTGGCAAAGGCAATAAAAGCTTCCAACTGTGTCAATGCACTGCCCATGACTGCATAT-3'
Protein context (NP_000129.3, residues 1869-1889): VGSFYCLCHT[Gly1879Ser]FKTNDDQTMC